The following is an entry in ClinVar:

NM_002332.3(LRP1):c.10481G>A (p.Cys3494Tyr)

Gene: LRP1 (LDL receptor related protein 1; plus strand). Cytogenetic location: 12q13.3.
Variant type: single nucleotide variant.
Coding change: c.10481G>A on transcript NM_002332.3 (MANE Select); coding-DNA position 10481, G replaced by A.
Protein change: p.Cys3494Tyr; replaces cysteine 3494 with tyrosine.
Molecular consequence: missense variant.
Genome position (GRCh38, 1-based): chr12:57,201,792, G>A. VCF-style: chr12-57201792-G-A. GRCh37 (hg19) VCF-style: chr12-57595575-G-A.
Other names: short protein forms C3494Y.
Identifiers: ClinVar variation 4975204 (VCV004975204.1).
Genomic context (GRCh38, chr12:57,201,792, plus strand): 5'-CACTCCTGGAAGGAGTCTCATCCTCACCCCATGCCCACCCGCTTGCAGCCCAGATGACCT[G>A]TGGTGTGGACGAGTTCCGCTGCAAGGATTCGGGCCGCTGCATCCCAGCGCGTTGGAAGTG-3'
Protein context (NP_002323.2, residues 3484-3504): DEPANCTQMT[Cys3494Tyr]GVDEFRCKDS

ClinVar aggregate classification (germline): Uncertain significance (1 of 4 stars; one submission).

Submission:

GeneDx
Classification: Uncertain significance. Last evaluated: 2025-11-19. Review status: criteria provided, single submitter. Criteria: GeneDx Variant Classification Process June 2021. Collection method: clinical testing. Allele origin: germline.
Comment: In silico analysis supports that this missense variant has a deleterious effect on protein structure/function; Not observed at significant frequency in large population cohorts (gnomAD); Has not been previously published as pathogenic or benign to our knowledge; Variants in candidate genes are classified as variants of uncertain significance in accordance with ACMG guidelines (PMID: 25741868)